The following is an entry in ClinVar:

NM_000090.4(COL3A1):c.1277G>A (p.Gly426Glu)

Gene: COL3A1 (collagen type III alpha 1 chain; plus strand). Cytogenetic location: 2q32.2.
Variant type: single nucleotide variant.
Coding change: c.1277G>A on transcript NM_000090.4 (MANE Select); coding-DNA position 1277, G replaced by A.
Protein change: p.Gly426Glu; replaces glycine 426 with glutamic acid.
Molecular consequence: missense variant.
Genome position (GRCh38, 1-based): chr2:188,994,316, G>A. VCF-style: chr2-188994316-G-A. GRCh37 (hg19) VCF-style: chr2-189859042-G-A.
Other names: short protein forms G426E.
Identifiers: ClinVar variation 1496360 (VCV001496360.6), dbSNP rs2153502383, ClinGen allele CA349851534.

ClinVar aggregate classification (germline): Likely pathogenic (1 of 4 stars; one submission).

Conditions:
Ehlers-Danlos syndrome, type 4 (EDSVASC). Also called: Ehlers-Danlos syndrome vascular type; Ehlers Danlos syndrome, ecchymotic type; Ehlers Danlos syndrome, arterial type; Ehlers Danlos syndrome, Sack-Barabas type; Ehlers-Danlos Syndrome Type IV. Identifiers: Orphanet 286, MedGen C0268338, MONDO:0017314, OMIM 130050.

Submission:

Labcorp Genetics (formerly Invitae), Labcorp
Classification: Likely pathogenic for Ehlers-Danlos syndrome, type 4. Last evaluated: 2021-11-02. Review status: criteria provided, single submitter. Criteria: Invitae Variant Classification Sherloc (09022015). Collection method: clinical testing. Allele origin: germline.
Comment: Advanced modeling of protein sequence and biophysical properties (such as structural, functional, and spatial information, amino acid conservation, physicochemical variation, residue mobility, and thermodynamic stability) performed at Invitae indicates that this missense variant is expected to disrupt COL3A1 protein function. In summary, the currently available evidence indicates that the variant is pathogenic, but additional data are needed to prove that conclusively. Therefore, this variant has been classified as Likely Pathogenic. This variant disrupts the triple helix domain of COL3A1. Glycine residues within the Gly-Xaa-Yaa repeats of the triple helix domain are required for the structure and stability of fibrillar collagens (PMID: 7695699, 8218237, 19344236). In COL3A1, variants that affect these glycine residues are significantly enriched in individuals with disease (PMID: 24922459, 25758994) compared to the general population (ExAC). This missense change has been observed in individual(s) with clinical features of autosomal dominant COL3A1-related conditions (Invitae). This variant is not present in population databases (gnomAD no frequency). This sequence change replaces glycine, which is neutral and non-polar, with glutamic acid, which is acidic and polar, at codon 426 of the COL3A1 protein (p.Gly426Glu).

Literature cited by the submitters: PubMed 7695699; PubMed 8218237; PubMed 19344236; PubMed 24922459; PubMed 25758994.